The following is an entry in ClinVar:

ClinVar aggregate classification (germline): Uncertain significance (1 of 4 stars; one submission).

Conditions:
Developmental and epileptic encephalopathy 94 (DEE94). Also called: Epileptic encephalopathy, childhood-onset; CHD2-Related Neurodevelopmental Disorders. Identifiers: Orphanet 1942, Orphanet 2382, MedGen C3809278, MONDO:0014150, OMIM 615369.

Submission:

Center for Genomics, Ann and Robert H. Lurie Children's Hospital of Chicago
Classification: Uncertain significance for Developmental and epileptic encephalopathy 94. Last evaluated: 2018-01-09. Review status: criteria provided, single submitter. Criteria: ACMG Guidelines, 2015. Collection method: clinical testing. Allele origin: germline.
Comment: CHD2 NM_001271.3 exon 15 p.Asp602Gly (c.1805A>G): This variant has not been reported in the literature and is not present in large control databases. Evolutionary conservation and computational predictive tools suggest that this variant may impact the protein. In summary, data on this variant is insufficient for disease classification. Therefore, the clinical significance of this variant is uncertain.

NM_001271.4(CHD2):c.1805A>G (p.Asp602Gly)

Gene: CHD2 (chromodomain helicase DNA binding protein 2; plus strand). Cytogenetic location: 15q26.1.
Variant type: single nucleotide variant.
Coding change: c.1805A>G on transcript NM_001271.4 (MANE Select); coding-DNA position 1805, A replaced by G.
Protein change: p.Asp602Gly; replaces aspartic acid 602 with glycine.
Molecular consequence: missense variant.
Genome position (GRCh38, 1-based): chr15:92,955,508, A>G. VCF-style: chr15-92955508-A-G. GRCh37 (hg19) VCF-style: chr15-93498738-A-G.
Other names: short protein forms D602G.
Identifiers: ClinVar variation 626083 (VCV000626083.1), dbSNP rs1567140845, ClinGen allele CA393905797.